The following is an entry in ClinVar:

NM_001563.4(IMPG1):c.1522T>A (p.Ser508Thr)

Gene: IMPG1 (interphotoreceptor matrix proteoglycan 1; minus strand). Cytogenetic location: 6q14.1.
Variant type: single nucleotide variant.
Coding change: c.1522T>A on transcript NM_001563.4 (MANE Select); coding-DNA position 1522, T replaced by A.
Protein change: p.Ser508Thr; replaces serine 508 with threonine.
Molecular consequence: missense variant.
Genome position (GRCh38, 1-based): chr6:75,950,864, A>T on the plus strand (T>A on the coding strand, the complement: IMPG1 is on the minus strand). VCF-style: chr6-75950864-A-T. GRCh37 (hg19) VCF-style: chr6-76660581-A-T.
Other names: c.1288T>A, p.Ser430Thr (NM_001282368.2); short protein forms S430T, S508T.
Identifiers: ClinVar variation 1948425 (VCV001948425.5), dbSNP rs1238772905, ClinGen allele CA364777797.

ClinVar aggregate classification (germline): Uncertain significance (1 of 4 stars; one submission).

Submission:

Labcorp Genetics (formerly Invitae), Labcorp
Classification: Uncertain significance. Last evaluated: 2022-10-04. Review status: criteria provided, single submitter. Criteria: Invitae Variant Classification Sherloc (09022015). Collection method: clinical testing. Allele origin: germline.
Comment: In summary, the available evidence is currently insufficient to determine the role of this variant in disease. Therefore, it has been classified as a Variant of Uncertain Significance. Algorithms developed to predict the effect of missense changes on protein structure and function (SIFT, PolyPhen-2, Align-GVGD) all suggest that this variant is likely to be tolerated. This variant has not been reported in the literature in individuals affected with IMPG1-related conditions. This variant is present in population databases (no rsID available, gnomAD 0.0009%). This sequence change replaces serine, which is neutral and polar, with threonine, which is neutral and polar, at codon 508 of the IMPG1 protein (p.Ser508Thr).